The following is an entry in ClinVar:

NM_001105206.3(LAMA4):c.674C>T (p.Ala225Val)

Gene: LAMA4 (laminin subunit alpha 4; minus strand). Cytogenetic location: 6q21.
Variant type: single nucleotide variant.
Coding change: c.674C>T on transcript NM_001105206.3 (MANE Select); coding-DNA position 674, C replaced by T.
Protein change: p.Ala225Val; replaces alanine 225 with valine.
Molecular consequence: missense variant.
Genome position (GRCh38, 1-based): chr6:112,191,680, G>A on the plus strand (C>T on the coding strand, the complement: LAMA4 is on the minus strand). VCF-style: chr6-112191680-G-A. GRCh37 (hg19) VCF-style: chr6-112512882-G-A.
Other names: p.A225V:GCT>GTT; c.674C>T, p.Ala225Val (NM_001105207.3, NM_002290.5); short protein forms A225V.
Identifiers: ClinVar variation 213580 (VCV000213580.67), dbSNP rs149615862, ClinGen allele CA322087.

ClinVar aggregate classification (germline): Likely benign. Review status: criteria provided, multiple submitters, no conflicts (2 of 4 stars). 11 submissions from 11 submitters: Likely benign (9). 2 of the submissions do not count toward it. Last evaluated 2026-03-13.

Conditions:
Cardiovascular phenotype. Identifiers: MedGen CN230736.
Dilated cardiomyopathy 1JJ (CMD1JJ). Identifiers: Orphanet 154, MedGen C3808935, MONDO:0014095, OMIM 615235.
Cardiomyopathy (CMYO). Also called: Cardiomyopathies. Identifiers: Orphanet 167848, MedGen C0878544, MONDO:0004994, HP:0001638. Inheritance: Various modes of inheritance.

Allele frequency attached by ClinVar (database versions not stated): ESP Exome Variant Server 0.00015; ExAC 0.00044; 1000 Genomes Project 0.00120; gnomAD exomes 0.00062 and 0.00026; 1000 Genomes Project 30x 0.00094; gnomAD 0.00052; TOPMed 0.00108.
gnomAD v4.1: 483 of 1,614,090 alleles (0.03%); highest among the groups gnomAD compares: Admixed American, 0.32%; 1 homozygote.

Submissions (11):

Women's Health and Genetics/Laboratory Corporation of America, LabCorp
Classification: Likely benign. Last evaluated: 2026-03-13. Review status: criteria provided, single submitter. Criteria: LabCorp Variant Classification Summary - May 2015. Collection method: clinical testing. Allele origin: germline.

Ambry Genetics
Classification: Likely benign for Cardiovascular phenotype. Last evaluated: 2026-02-06. Review status: criteria provided, single submitter. Criteria: Ambry Variant Classification Scheme 2023. Collection method: clinical testing. Allele origin: germline.

Labcorp Genetics (formerly Invitae), Labcorp
Classification: Likely benign for Dilated cardiomyopathy 1JJ. Last evaluated: 2026-01-27. Review status: criteria provided, single submitter. Criteria: Invitae Variant Classification Sherloc (09022015). Collection method: clinical testing. Allele origin: germline.

Blueprint Genetics
Classification: Likely benign. Last evaluated: 2024-11-21. Review status: criteria provided, single submitter. Criteria: ACMG Guidelines, 2015. Collection method: clinical testing. Allele origin: germline.

Fulgent Genetics
Classification: Likely benign for Dilated cardiomyopathy 1JJ. Last evaluated: 2022-02-15. Review status: criteria provided, single submitter. Criteria: ACMG Guidelines, 2015. Collection method: clinical testing. Allele origin: unknown.

GeneDx
Classification: Likely benign. Last evaluated: 2021-06-08. Review status: criteria provided, single submitter. Criteria: GeneDx Variant Classification Process June 2021. Collection method: clinical testing. Allele origin: germline. Affected: yes.
Comment: In silico analysis supports that this missense variant has a deleterious effect on protein structure/function; Has not been previously published as pathogenic or benign to our knowledge

ARUP Laboratories, Molecular Genetics and Genomics, ARUP Laboratories
Classification: Likely benign for Dilated cardiomyopathy 1JJ. Last evaluated: 2020-05-28. Review status: criteria provided, single submitter. Criteria: ARUP Molecular Germline Variant Investigation Process. Collection method: clinical testing. Allele origin: germline.

Center for Advanced Laboratory Medicine, UC San Diego Health, University of California San Diego
Classification: Likely benign for Cardiomyopathy. Last evaluated: 2018-12-24. Review status: criteria provided, single submitter. Criteria: ACMG Guidelines, 2015. Collection method: clinical testing. Allele origin: germline. Affected: yes. Observed: 1 variant allele.

Laboratory for Molecular Medicine, Mass General Brigham Personalized Medicine
Classification: Likely benign. Last evaluated: 2015-07-07. Review status: criteria provided, single submitter. Criteria: LMM Criteria. Collection method: clinical testing. Allele origin: germline. Observed: 2 variant alleles.
Comment: p.Ala225Val in exon 6 of LAMA4: This variant is not expected to have clinical si gnificance because it has been identified in 0.3% (33/11482) of Latino chromosom es by the Exome Aggregation Consortium (ExAC; db SNP rs149615862).

Clinical Genetics DNA and cytogenetics Diagnostics Lab, Erasmus MC, Erasmus Medical Center
Classification: Uncertain significance. Review status: no assertion criteria provided. Collection method: clinical testing. Allele origin: germline. Affected: yes. Study: VKGL Data-share Consensus. Not counted in ClinVar's aggregate classification.

Clinical Genetics, Academic Medical Center
Classification: Uncertain significance. Review status: no assertion criteria provided. Collection method: clinical testing. Allele origin: germline. Affected: yes. Study: VKGL Data-share Consensus. Not counted in ClinVar's aggregate classification.